The following is an entry in ClinVar:

NM_000094.4(COL7A1):c.4147G>A (p.Gly1383Arg)

Gene: COL7A1 (collagen type VII alpha 1 chain; minus strand). Cytogenetic location: 3p21.31.
Variant type: single nucleotide variant.
Coding change: c.4147G>A on transcript NM_000094.4 (MANE Select); coding-DNA position 4147, G replaced by A.
Protein change: p.Gly1383Arg; replaces glycine 1383 with arginine.
Molecular consequence: missense variant.
Genome position (GRCh38, 1-based): chr3:48,584,348, C>T on the plus strand (G>A on the coding strand, the complement: COL7A1 is on the minus strand). VCF-style: chr3-48584348-C-T. GRCh37 (hg19) VCF-style: chr3-48621781-C-T.
Other names: short protein forms G1383R.
Identifiers: ClinVar variation 1048033 (VCV001048033.4), dbSNP rs2045046700, ClinGen allele CA352695381.

ClinVar aggregate classification (germline): Pathogenic/Likely pathogenic. Review status: criteria provided, multiple submitters, no conflicts (2 of 4 stars). 2 submissions from 2 submitters: Pathogenic (1); Likely pathogenic (1). Last evaluated 2023-06-23.

Conditions:
Epidermolysis bullosa dystrophica. Also called: Dystrophic epidermolysis bullosa, Hallopeau-Siemens type (formerly); Dystrophic epidermolysis bullosa. Identifiers: Orphanet 303, MedGen C0079294, MONDO:0006543.

Submissions (2):

Labcorp Genetics (formerly Invitae), Labcorp
Classification: Likely pathogenic. Last evaluated: 2023-06-23. Review status: criteria provided, single submitter. Criteria: Invitae Variant Classification Sherloc (09022015). Collection method: clinical testing. Allele origin: germline.
Comment: This variant is not present in population databases (gnomAD no frequency). This sequence change replaces glycine, which is neutral and non-polar, with arginine, which is basic and polar, at codon 1383 of the COL7A1 protein (p.Gly1383Arg). This missense change has been observed in individual(s) with autosomal recessive dystrophic epidermolysis bullosa (PMID: 20184583). In summary, the currently available evidence indicates that the variant is pathogenic, but additional data are needed to prove that conclusively. Therefore, this variant has been classified as Likely Pathogenic. This variant disrupts the triple helix domain of COL7A1. Glycine residues within the Gly-Xaa-Yaa repeats of the triple helix domain are required for the structure and stability of fibrillar collagens (PMID: 7695699, 8218237, 19344236), and variants at these glycine residues in COL7A1 are more frequently observed in individuals with disease than in the general population (PMID: 22058051). However, the clinical significance of this observation remains uncertain since only a limited number of affected individuals have been described to date. Advanced modeling of protein sequence and biophysical properties (such as structural, functional, and spatial information, amino acid conservation, physicochemical variation, residue mobility, and thermodynamic stability) performed at Invitae indicates that this missense variant is expected to disrupt COL7A1 protein function. ClinVar contains an entry for this variant (Variation ID: 1048033).

Biomedical Innovation Departament, CIEMAT
Classification: Pathogenic for Dystrophic epidermolysis bullosa. Last evaluated: 2009-07-17. Review status: criteria provided, single submitter. Criteria: ACMG Guidelines, 2015. Collection method: research. Allele origin: germline. Affected: yes. Observed: 1 variant allele.

Literature cited by the submitters: PubMed 20184583 (cited by Labcorp Genetics (formerly Invitae), Labcorp and Biomedical Innovation Departament, CIEMAT); PubMed 7695699 (cited by Labcorp Genetics (formerly Invitae), Labcorp); PubMed 8218237 (cited by Labcorp Genetics (formerly Invitae), Labcorp); PubMed 19344236 (cited by Labcorp Genetics (formerly Invitae), Labcorp); PubMed 22058051 (cited by Labcorp Genetics (formerly Invitae), Labcorp).